The following is an entry in ClinVar:

NM_002181.4(IHH):c.1124G>A (p.Trp375Ter)

Gene: IHH (Indian hedgehog signaling molecule; minus strand). Cytogenetic location: 2q35.
Variant type: single nucleotide variant.
Coding change: c.1124G>A on transcript NM_002181.4 (MANE Select); coding-DNA position 1124, G replaced by A.
Protein change: p.Trp375Ter; replaces tryptophan 375 with a stop codon.
Molecular consequence: nonsense.
Genome position (GRCh38, 1-based): chr2:219,055,319, C>T on the plus strand (G>A on the coding strand, the complement: IHH is on the minus strand). VCF-style: chr2-219055319-C-T. GRCh37 (hg19) VCF-style: chr2-219920041-C-T.
Other names: short protein forms W375*.
Identifiers: ClinVar variation 4622027 (VCV004622027.1).

ClinVar aggregate classification (germline): Uncertain significance (1 of 4 stars; one submission).

Conditions:
Inborn genetic diseases. Identifiers: MedGen C0950123, MeSH D030342.

Submission:

Ambry Genetics
Classification: Uncertain significance for Inborn genetic diseases. Last evaluated: 2025-10-20. Review status: criteria provided, single submitter. Criteria: Ambry Variant Classification Scheme 2023. Collection method: clinical testing. Allele origin: germline.
Comment: The c.1124G>A (p.W375*) alteration, located in exon 3 (coding exon 3) of the IHH gene, consists of a G to A substitution at nucleotide position 1124. This changes the amino acid from a tryptophan (W) to a stop codon at amino acid position 375. This variant is not expected to trigger nonsense-mediated mRNA decay, and impacts the last 9% of the protein. The exact functional effect of this alteration is unknown. This variant was not reported in population-based cohorts in the Genome Aggregation Database (gnomAD). Based on insufficient or conflicting evidence, the clinical significance of this alteration remains unclear.